The following is an entry in ClinVar:

NM_015557.3(CHD5):c.5830C>T (p.Gln1944Ter)

Gene: CHD5 (chromodomain helicase DNA binding protein 5; minus strand). Cytogenetic location: 1p36.31.
Variant type: single nucleotide variant.
Coding change: c.5830C>T on transcript NM_015557.3 (MANE Select); coding-DNA position 5830, C replaced by T.
Protein change: p.Gln1944Ter; replaces glutamine 1944 with a stop codon.
Molecular consequence: nonsense.
Genome position (GRCh38, 1-based): chr1:6,106,422, G>A on the plus strand (C>T on the coding strand, the complement: CHD5 is on the minus strand). VCF-style: chr1-6106422-G-A. GRCh37 (hg19) VCF-style: chr1-6166482-G-A.
Other names: short protein forms Q1944*.
Identifiers: ClinVar variation 2104557 (VCV002104557.4), dbSNP rs753070352, ClinGen allele CA555660.

ClinVar aggregate classification (germline): Pathogenic (1 of 4 stars; one submission).

Allele frequency attached by ClinVar (database versions not stated): gnomAD exomes below 0.00001; gnomAD 0.00001; TOPMed 0.00001.
gnomAD v4.1: 8 of 1,586,658 alleles (0.0005%); highest among the groups gnomAD compares: Non-Finnish European, 0.00069%; no homozygotes.

Submission:

Labcorp Genetics (formerly Invitae), Labcorp
Classification: Pathogenic. Last evaluated: 2022-09-01. Review status: criteria provided, single submitter. Criteria: Invitae Variant Classification Sherloc (09022015). Collection method: clinical testing. Allele origin: germline.
Comment: For these reasons, this variant has been classified as Pathogenic. This variant has not been reported in the literature in individuals affected with CHD5-related conditions. This variant is not present in population databases (gnomAD no frequency). This sequence change creates a premature translational stop signal (p.Gln1944*) in the CHD5 gene. It is expected to result in an absent or disrupted protein product. Loss-of-function variants in CHD5 are known to be pathogenic (PMID: 33944996).

Literature cited by the submitters: PubMed 33944996.